The following is an entry in ClinVar:

ClinVar aggregate classification (germline): Conflicting classifications of pathogenicity. Review status: criteria provided, conflicting classifications (1 of 4 stars). 3 submissions from 3 submitters: Uncertain significance (2); Likely benign (1). Last evaluated 2025-06-10.

Conditions:
Arrhythmogenic cardiomyopathy with wooly hair and keratoderma. Also called: Dilated cardiomyopathy with woolly hair and keratoderma; PALMOPLANTAR KERATODERMA WITH LEFT VENTRICULAR CARDIOMYOPATHY AND WOOLLY HAIR; Arrhythmogenic cardiomyopathy with woolly hair and keratoderma; Carvajal syndrome. Identifiers: Orphanet 65282, MedGen C1854063, MONDO:0011581, OMIM 605676.
Arrhythmogenic right ventricular dysplasia 8 (ARVD8). Also called: ARRHYTHMOGENIC RIGHT VENTRICULAR DYSPLASIA, FAMILIAL, 8; ARRHYTHMOGENIC RIGHT VENTRICULAR CARDIOMYOPATHY 8; Arrhythmogenic Right Ventricular Dysplasia/Cardiomyopathy 8. Identifiers: MedGen C1843896, MONDO:0011831, OMIM 607450.
DSP-related disorder. Also called: DSP-related disorders; DSP-related condition.

Allele frequency attached by ClinVar (database versions not stated): ExAC 0.00001; gnomAD 0.00001; gnomAD exomes 0.00001; TOPMed 0.00001.
gnomAD v4.1: 4 of 1,613,790 alleles (0.00025%); highest among the groups gnomAD compares: South Asian, 0.0022%; no homozygotes.

Submissions (3):

PreventionGenetics, part of Exact Sciences
Classification: Uncertain significance for DSP-related condition. Last evaluated: 2025-06-10. Review status: criteria provided, single submitter. Criteria: ACMG Guidelines, 2015. Collection method: clinical testing. Allele origin: germline.
Comment: The DSP c.4811C>T variant is predicted to result in the amino acid substitution p.Ser1604Leu. To our knowledge, this variant has not been reported in the literature. This variant is reported in 0.0055% of alleles in individuals of East Asian descent in gnomAD. At this time, the clinical significance of this variant is uncertain due to the absence of conclusive functional and genetic evidence.

Labcorp Genetics (formerly Invitae), Labcorp
Classification: Likely benign for Arrhythmogenic cardiomyopathy with wooly hair and keratoderma; Arrhythmogenic right ventricular dysplasia 8. Last evaluated: 2024-07-19. Review status: criteria provided, single submitter. Criteria: Invitae Variant Classification Sherloc (09022015). Collection method: clinical testing. Allele origin: germline.

CeGaT Center for Human Genetics Tuebingen
Classification: Uncertain significance. Last evaluated: 2018-10-01. Review status: criteria provided, single submitter. Criteria: CeGaT Center For Human Genetics Tuebingen Variant Classification Criteria Version 2. Collection method: clinical testing. Allele origin: germline. Affected: yes. Observed: 1 variant allele.

NM_004415.4(DSP):c.4811C>T (p.Ser1604Leu)

Gene: DSP (desmoplakin; plus strand). Cytogenetic location: 6p24.3.
Variant type: single nucleotide variant.
Coding change: c.4811C>T on transcript NM_004415.4 (MANE Select); coding-DNA position 4811, C replaced by T.
Protein change: p.Ser1604Leu; replaces serine 1604 with leucine.
Molecular consequence: missense variant. On other transcripts: intron variant (2).
Genome position (GRCh38, 1-based): chr6:7,581,001, C>T. VCF-style: chr6-7581001-C-T. GRCh37 (hg19) VCF-style: chr6-7581234-C-T.
Other names: c.4811C>T (NM_004415.3); c.4050+761C>T (NM_001319034.2); c.3582+1229C>T (NM_001008844.3); short protein forms S1604L.
Identifiers: ClinVar variation 809870 (VCV000809870.46), dbSNP rs757018930, ClinGen allele CA042994.